The following is an entry in ClinVar:

ClinVar aggregate classification (germline): Uncertain significance (1 of 4 stars; one submission).

Conditions:
Adenylosuccinate lyase deficiency (ADSLD). Also called: ADSL DEFICIENCY. Identifiers: Orphanet 46, MedGen C0268126, MONDO:0007068, OMIM 103050.

Allele frequency attached by ClinVar (database versions not stated): gnomAD exomes below 0.00001 and 0.00001; gnomAD 0.00001; ExAC 0.00002; TOPMed 0.00002; ESP Exome Variant Server 0.00008.

Submission:

Labcorp Genetics (formerly Invitae), Labcorp
Classification: Uncertain significance for Adenylosuccinate lyase deficiency. Last evaluated: 2022-02-05. Review status: criteria provided, single submitter. Criteria: Invitae Variant Classification Sherloc (09022015). Collection method: clinical testing. Allele origin: germline.
Comment: This sequence change replaces glycine, which is neutral and non-polar, with arginine, which is basic and polar, at codon 418 of the ADSL protein (p.Gly418Arg). This variant is present in population databases (rs372650859, gnomAD 0.01%). This variant has not been reported in the literature in individuals affected with ADSL-related conditions. ClinVar contains an entry for this variant (Variation ID: 1036030). Algorithms developed to predict the effect of missense changes on protein structure and function are either unavailable or do not agree on the potential impact of this missense change (SIFT: "Deleterious"; PolyPhen-2: "Probably Damaging"; Align-GVGD: "Class C0"). This variant disrupts the p.Gly418 amino acid residue in ADSL. Other variant(s) that disrupt this residue have been determined to be pathogenic (PMID: 33648541). This suggests that this residue is clinically significant, and that variants that disrupt this residue are likely to be disease-causing. In summary, the available evidence is currently insufficient to determine the role of this variant in disease. Therefore, it has been classified as a Variant of Uncertain Significance.

Literature cited by the submitters: PubMed 33648541.

NM_000026.4(ADSL):c.1252G>C (p.Gly418Arg)

Gene: ADSL (adenylosuccinate lyase; plus strand). Cytogenetic location: 22q13.1.
Variant type: single nucleotide variant.
Coding change: c.1252G>C on transcript NM_000026.4 (MANE Select); coding-DNA position 1252, G replaced by C.
Protein change: p.Gly418Arg; replaces glycine 418 with arginine.
Molecular consequence: missense variant. On other transcripts: non-coding transcript variant (1), intron variant (1).
Genome position (GRCh38, 1-based): chr22:40,364,940, G>C. VCF-style: chr22-40364940-G-C. GRCh37 (hg19) VCF-style: chr22-40760944-G-C.
Other names: c.1060G>C, p.Gly354Arg (NM_001317923.2); c.1252G>C, p.Gly418Arg (NM_001363840.3); c.1191+575G>C (NM_001123378.3); short protein forms G354R, G418R.
Identifiers: ClinVar variation 1036030 (VCV001036030.8), dbSNP rs372650859, ClinGen allele CA10247970.